The following is an entry in ClinVar:

ClinVar aggregate classification (germline): Likely pathogenic (1 of 4 stars; one submission).

Conditions:
Congenital bile acid synthesis defect 1 (CBAS1). Also called: 3-BETA-HYDROXY-DELTA-5-C27-STEROID OXIDOREDUCTASE DEFICIENCY. Identifiers: Orphanet 79301, MedGen C1843116, MONDO:0011906, OMIM 607765.

Submission:

Molecular Genetics Laboratory, CHU Lille
Classification: Likely pathogenic for Congenital bile acid synthesis defect 1. Last evaluated: 2026-08-19. Review status: criteria provided, single submitter. Criteria: ACMG Guidelines, 2015. Collection method: clinical testing. Allele origin: germline. Affected: yes.
Comment: It was classified as likely pathogenic given its absence from public databases and the applied ACMG criteria (PVS1, PM2).

NM_025193.4(HSD3B7):c.748_760del (p.Thr250fs)

Gene: HSD3B7 (hydroxy-delta-5-steroid dehydrogenase, 3 beta- and steroid delta-isomerase 7; plus strand). Cytogenetic location: 16p11.2.
Variant type: Deletion.
Coding change: c.748_760del on transcript NM_025193.4 (MANE Select); coding-DNA positions 748 to 760, 13 bases deleted (ACCCTGATGGGCG).
Protein change: p.Thr250fs; shifts the reading frame from threonine 250.
Molecular consequence: frameshift variant.
Genome position (GRCh38, 1-based): chr16:30,987,821-30,987,833, ACCCTGATGGGCG deleted. VCF-style (leftmost placement, unchanged base first): chr16-30987820-AACCCTGATGGGCG-A. GRCh37 (hg19) VCF-style: chr16-30999141-AACCCTGATGGGCG-A.
Other names: c.585_*6del, p.Ter197GlyextTer? (NM_001142777.2, NM_001142778.2); short protein forms T250fs.
Identifiers: ClinVar variation 4886943 (VCV004886943.1).